The following is an entry in ClinVar:

NM_001349206.2(LPIN1):c.151C>T (p.Arg51Cys)

Gene: LPIN1 (lipin 1; plus strand). Cytogenetic location: 2p25.1.
Variant type: single nucleotide variant.
Coding change: c.151C>T on transcript NM_001349206.2 (MANE Select); coding-DNA position 151, C replaced by T.
Protein change: p.Arg51Cys; replaces arginine 51 with cysteine.
Molecular consequence: missense variant. On other transcripts: non-coding transcript variant (1).
Genome position (GRCh38, 1-based): chr2:11,765,692, C>T. VCF-style: chr2-11765692-C-T. GRCh37 (hg19) VCF-style: chr2-11905818-C-T.
Other names: c.169C>T, p.Arg57Cys (NM_001261427.3); c.298C>T, p.Arg100Cys (NM_001261428.3, NM_001349208.2); c.151C>T, p.Arg51Cys (NM_001349199.2, NM_001349200.2, NM_001349201.2 and 5 more transcripts); c.241C>T, p.Arg81Cys (NM_001349207.2); short protein forms R51C, R57C, R100C, R81C.
Identifiers: ClinVar variation 2066758 (VCV002066758.2), dbSNP rs758821832, ClinGen allele CA1533347.

ClinVar aggregate classification (germline): Uncertain significance (1 of 4 stars; one submission).

Allele frequency attached by ClinVar (database versions not stated): gnomAD exomes 0.00002; gnomAD 0.00005; ExAC 0.00006.
gnomAD v4.1: 40 of 1,612,806 alleles (0.0025%); highest among the groups gnomAD compares: Middle Eastern, 0.016%; no homozygotes.

Submission:

Labcorp Genetics (formerly Invitae), Labcorp
Classification: Uncertain significance. Last evaluated: 2022-02-10. Review status: criteria provided, single submitter. Criteria: Invitae Variant Classification Sherloc (09022015). Collection method: clinical testing. Allele origin: germline.
Comment: In summary, the available evidence is currently insufficient to determine the role of this variant in disease. Therefore, it has been classified as a Variant of Uncertain Significance. Algorithms developed to predict the effect of missense changes on protein structure and function are either unavailable or do not agree on the potential impact of this missense change (SIFT: "Deleterious"; PolyPhen-2: "Probably Damaging"; Align-GVGD: "Class C0"). This variant has not been reported in the literature in individuals affected with LPIN1-related conditions. This variant is present in population databases (rs758821832, gnomAD 0.02%). This sequence change replaces arginine, which is basic and polar, with cysteine, which is neutral and slightly polar, at codon 51 of the LPIN1 protein (p.Arg51Cys).